The following is an entry in ClinVar:

NM_000213.5(ITGB4):c.3810G>A (p.Met1270Ile)

Genes: GALK1 (galactokinase 1; minus strand), ITGB4 (integrin subunit beta 4; plus strand). Cytogenetic location: 17q25.1.
Variant type: single nucleotide variant.
Coding change: c.3810G>A on transcript NM_000213.5 (MANE Select); coding-DNA position 3810, G replaced by A.
Protein change: p.Met1270Ile; replaces methionine 1270 with isoleucine.
Molecular consequence: missense variant. On other transcripts: intron variant (1).
Genome position (GRCh38, 1-based): chr17:75,752,190, G>A. VCF-style: chr17-75752190-G-A. GRCh37 (hg19) VCF-style: chr17-73748271-G-A.
Other names: c.3810G>A, p.Met1270Ile (NM_001005619.2, NM_001005731.3, NM_001321123.2 and 1 more transcripts); c.*23-453C>T (NM_001381985.1); short protein forms M1270I.
Identifiers: ClinVar variation 1800870 (VCV001800870.6), dbSNP rs373133055, ClinGen allele CA8769950.
Genomic context (GRCh38, chr17:75,752,190, plus strand): 5'-GGCTGGGACCTGGGTGACCCTCTGAAGCACTCTCTCTGCCCCAGGACCTATTGGGCCCAT[G>A]AAGAAAGTGCTGGTTGACAACCCTAAGAACCGGATGCTGCTTATTGAGAACCTTCGGGAG-3'
Protein context (NP_000204.3, residues 1260-1280): VNDDNRPIGP[Met1270Ile]KKVLVDNPKN

ClinVar aggregate classification (germline): Conflicting classifications of pathogenicity. Review status: criteria provided, conflicting classifications (1 of 4 stars). 3 submissions from 3 submitters: Uncertain significance (2); Likely benign (1). Last evaluated 2026-05-11.

Conditions:
Junctional epidermolysis bullosa with pyloric atresia. Also called: Epidermolysis bullosa, junctional, with pyloric atresia and aplasia cutis congenita; Epidermolysis bullosa junctionalis with pyloric atresia; APLASIA CUTIS CONGENITA WITH GASTROINTESTINAL ATRESIA; CARMI SYNDROME; EB-PA-ACC; ITGB4-Related Epidermolysis Bullosa with Pyloric Atresia. Identifiers: Orphanet 79403, MedGen C5676875, MONDO:0009183, OMIM 226730.
Epidermolysis bullosa, junctional 5A, intermediate. Also called: EPIDERMOLYSIS BULLOSA, JUNCTIONAL 5A, GENERALIZED INTERMEDIATE; EPIDERMOLYSIS BULLOSA, JUNCTIONAL 5A, NON-HERLITZ TYPE. Identifiers: MedGen C5676956, MONDO:0030768, OMIM 619816.

Allele frequency attached by ClinVar (database versions not stated): ExAC 0.00002; TOPMed 0.00021; ESP Exome Variant Server 0.00023; gnomAD exomes 0.00002; gnomAD 0.00020.
gnomAD v4.1: 61 of 1,613,878 alleles (0.0038%); highest among the groups gnomAD compares: African/African-American, 0.073%; no homozygotes.

Submissions (3):

GeneDx
Classification: Uncertain significance. Last evaluated: 2026-05-11. Review status: criteria provided, single submitter. Criteria: GeneDx Variant Classification Process June 2021. Collection method: clinical testing. Allele origin: germline.
Comment: In silico analysis suggests that this missense variant does not alter protein structure/function; Has not been previously published as pathogenic or benign to our knowledge

Labcorp Genetics (formerly Invitae), Labcorp
Classification: Likely benign. Last evaluated: 2024-02-22. Review status: criteria provided, single submitter. Criteria: Invitae Variant Classification Sherloc (09022015). Collection method: clinical testing. Allele origin: germline.

Fulgent Genetics
Classification: Uncertain significance for Junctional epidermolysis bullosa with pyloric atresia; Epidermolysis bullosa, junctional 5A, intermediate. Last evaluated: 2024-02-16. Review status: criteria provided, single submitter. Criteria: ACMG Guidelines, 2015. Collection method: clinical testing. Allele origin: germline.